The following is an entry in ClinVar:

NM_001165963.4(SCN1A):c.3838T>G (p.Phe1280Val)

Genes: SCN1A (sodium voltage-gated channel alpha subunit 1; minus strand), LOC102724058 (uncharacterized LOC102724058; plus strand). Cytogenetic location: 2q24.3.
Variant type: single nucleotide variant.
Coding change: c.3838T>G on transcript NM_001165963.4 (MANE Select); coding-DNA position 3838, T replaced by G.
Protein change: p.Phe1280Val; replaces phenylalanine 1280 with valine.
Molecular consequence: missense variant. On other transcripts: non-coding transcript variant (1).
Genome position (GRCh38, 1-based): chr2:166,012,150, A>C on the plus strand (T>G on the coding strand, the complement: SCN1A is on the minus strand). VCF-style: chr2-166012150-A-C. GRCh37 (hg19) VCF-style: chr2-166868660-A-C.
Other names: c.3754T>G, p.Phe1252Val (NM_001165964.3, NM_001353957.2, NM_001353958.2); c.3838T>G, p.Phe1280Val (NM_001202435.3, NM_001353948.2); c.3805T>G, p.Phe1269Val (NM_001353949.2, NM_001353950.2, NM_001353951.2 and 2 more transcripts); c.3802T>G, p.Phe1268Val (NM_001353954.2, NM_001353955.2); c.3751T>G, p.Phe1251Val (NM_001353960.2); c.1396T>G, p.Phe466Val (NM_001353961.2); short protein forms F1251V, F1252V, F1268V, F1269V, F1280V, F466V.
Identifiers: ClinVar variation 4529582 (VCV004529582.1).

ClinVar aggregate classification (germline): Uncertain significance (1 of 4 stars; one submission).

gnomAD v4.1: 2 of 1,610,444 alleles (0.00012%); highest among the groups gnomAD compares: Non-Finnish European, 0.00017%; no homozygotes.

Submission:

GeneDx
Classification: Uncertain significance. Last evaluated: 2025-05-15. Review status: criteria provided, single submitter. Criteria: GeneDx Variant Classification Process June 2021. Collection method: clinical testing. Allele origin: germline. Affected: yes.
Comment: Not observed at significant frequency in large population cohorts (gnomAD); In silico analysis supports that this missense variant has a deleterious effect on protein structure/function; Has not been previously published as pathogenic or benign to our knowledge; This substitution is predicted to be within the intracellular loop between the S2 and S3 transmembrane segments of the third homologous domain